The following is an entry in ClinVar:

ClinVar aggregate classification (germline): Pathogenic. Review status: criteria provided, multiple submitters, no conflicts (2 of 4 stars). 2 submissions from 2 submitters: Pathogenic (2). Last evaluated 2024-01-01.

Conditions:
Meier-Gorlin syndrome 1 (MGORS1). Also called: EAR, PATELLA, SHORT STATURE SYNDROME. Identifiers: Orphanet 2554, MedGen C4552001, MONDO:0009143, OMIM 224690.

Submissions (2):

Daryl Scott Lab, Baylor College of Medicine
Classification: Pathogenic for Meier-Gorlin syndrome 1. Last evaluated: 2024-01-01. Review status: criteria provided, single submitter. Criteria: ACMG Guidelines, 2015. Collection method: clinical testing. Allele origin: maternal. Observed: 1 heterozygote.
Comment: PVS1, PM2

Labcorp Genetics (formerly Invitae), Labcorp
Classification: Pathogenic. Last evaluated: 2023-02-10. Review status: criteria provided, single submitter. Criteria: Invitae Variant Classification Sherloc (09022015). Collection method: clinical testing. Allele origin: germline.
Comment: This sequence change creates a premature translational stop signal (p.Glu731Aspfs*3) in the ORC1 gene. It is expected to result in an absent or disrupted protein product. Loss-of-function variants in ORC1 are known to be pathogenic (PMID: 21358633). This variant is not present in population databases (gnomAD no frequency). This variant has not been reported in the literature in individuals affected with ORC1-related conditions. For these reasons, this variant has been classified as Pathogenic.

Literature cited by the submitters: PubMed 21358633 (cited by Labcorp Genetics (formerly Invitae), Labcorp).

NM_004153.4(ORC1):c.2193_2194del (p.Glu731fs)

Gene: ORC1 (origin recognition complex subunit 1; minus strand). Cytogenetic location: 1p32.3.
Variant type: Microsatellite.
Coding change: c.2193_2194del on transcript NM_004153.4 (MANE Select); coding-DNA positions 2193 to 2194, 2 bases deleted (GA; older notation c.2193_2194delGA).
Protein change: p.Glu731fs; shifts the reading frame from glutamic acid 731.
Molecular consequence: frameshift variant.
Genome position (GRCh38, 1-based): chr1:52,375,539-52,375,540, TC deleted on the plus strand (GA on the coding strand, the reverse complement: ORC1 is on the minus strand); deleting any 2 consecutive bases within chr1:52,375,539-52,375,543 gives the same sequence; the c. name uses the placement nearest the transcript's 3' end. VCF-style (leftmost placement, unchanged base first): chr1-52375538-ATC-A. GRCh37 (hg19) VCF-style: chr1-52841210-ATC-A.
Other names: c.2193_2194del, p.Glu731fs (NM_001190818.2); c.2178_2179del, p.Glu726fs (NM_001190819.2); short protein forms E726fs, E731fs.
Identifiers: ClinVar variation 2873337 (VCV002873337.3), dbSNP rs1162770123, ClinGen allele CA736789364.